The following is an entry in ClinVar:

NM_024876.4(COQ8B):c.289+1G>A

Gene: COQ8B (coenzyme Q8B; minus strand). Cytogenetic location: 19q13.2.
Variant type: single nucleotide variant.
Coding change: c.289+1G>A on transcript NM_024876.4 (MANE Select); the canonical splice donor site of the intron after coding-DNA position 289, G replaced by A.
Molecular consequence: splice donor variant.
Genome position (GRCh38, 1-based): chr19:40,714,066, C>T on the plus strand (G>A on the coding strand, the complement: COQ8B is on the minus strand). VCF-style: chr19-40714066-C-T. GRCh37 (hg19) VCF-style: chr19-41219971-C-T.
Other names: c.289+1G>A (NM_001142555.3).
Identifiers: ClinVar variation 3714107 (VCV003714107.2).

ClinVar aggregate classification (germline): Pathogenic (1 of 4 stars; one submission).

gnomAD v4.1: 1 of 1,614,066 alleles (0.000062%); highest among the groups gnomAD compares: Middle Eastern, 0.016%; no homozygotes.

Submission:

Labcorp Genetics (formerly Invitae), Labcorp
Classification: Pathogenic. Last evaluated: 2024-12-23. Review status: criteria provided, single submitter. Criteria: Invitae Variant Classification Sherloc (09022015). Collection method: clinical testing. Allele origin: germline.
Comment: This sequence change affects a donor splice site in intron 4 of the COQ8B gene. It is expected to disrupt RNA splicing. Variants that disrupt the donor or acceptor splice site typically lead to a loss of protein function (PMID: 16199547), and loss-of-function variants in COQ8B are known to be pathogenic (PMID: 24270420). This variant is present in population databases (rs750128167, gnomAD 0.007%). Disruption of this splice site has been observed in individuals with clinical features of nephrotic syndrome (PMID: 35064937, 35483523). It has also been observed to segregate with disease in related individuals. Algorithms developed to predict the effect of sequence changes on RNA splicing suggest that this variant may disrupt the consensus splice site. For these reasons, this variant has been classified as Pathogenic.

Literature cited by the submitters: PubMed 16199547; PubMed 24270420; PubMed 35064937; PubMed 35483523.